The following is an entry in ClinVar:

NM_001792.5(CDH2):c.2597C>A (p.Thr866Asn)

Genes: CDH2-AS1 (CDH2 antisense RNA 1; plus strand), CDH2 (cadherin 2; minus strand). Cytogenetic location: 18q12.1.
Variant type: single nucleotide variant.
Coding change: c.2597C>A on transcript NM_001792.5 (MANE Select); coding-DNA position 2597, C replaced by A.
Protein change: p.Thr866Asn; replaces threonine 866 with asparagine.
Molecular consequence: missense variant.
Genome position (GRCh38, 1-based): chr18:27,952,277, G>T on the plus strand (C>A on the coding strand, the complement: CDH2 is on the minus strand). VCF-style: chr18-27952277-G-T. GRCh37 (hg19) VCF-style: chr18-25532241-G-T.
Other names: c.2504C>A, p.Thr835Asn (NM_001308176.2); short protein forms T866N, T835N.
Identifiers: ClinVar variation 2450996 (VCV002450996.3), dbSNP rs776296541, ClinGen allele CA297653084.

ClinVar aggregate classification (germline): Uncertain significance. Review status: criteria provided, multiple submitters, no conflicts (2 of 4 stars). 2 submissions from 2 submitters: Uncertain significance (2). Last evaluated 2025-05-08.

Conditions:
Inborn genetic diseases. Identifiers: MedGen C0950123, MeSH D030342.

Allele frequency attached by ClinVar (database versions not stated): gnomAD exomes below 0.00001; gnomAD 0.00001; TOPMed 0.00002.
gnomAD v4.1: 3 of 1,613,482 alleles (0.00019%); highest among the groups gnomAD compares: Non-Finnish European, 0.00025%; no homozygotes.

Submissions (2):

Labcorp Genetics (formerly Invitae), Labcorp
Classification: Uncertain significance. Last evaluated: 2025-05-08. Review status: criteria provided, single submitter. Criteria: Invitae Variant Classification Sherloc (09022015). Collection method: clinical testing. Allele origin: germline.
Comment: This sequence change replaces threonine, which is neutral and polar, with asparagine, which is neutral and polar, at codon 866 of the CDH2 protein (p.Thr866Asn). This variant is present in population databases (no rsID available, gnomAD 0.0009%). This variant has not been reported in the literature in individuals affected with CDH2-related conditions. ClinVar contains an entry for this variant (Variation ID: 2450996). An algorithm developed to predict the effect of missense changes on protein structure and function (PolyPhen-2) suggests that this variant is likely to be disruptive. In summary, the available evidence is currently insufficient to determine the role of this variant in disease. Therefore, it has been classified as a Variant of Uncertain Significance.

Ambry Genetics
Classification: Uncertain significance for Inborn genetic diseases. Last evaluated: 2022-11-07. Review status: criteria provided, single submitter. Criteria: Ambry Variant Classification Scheme 2023. Collection method: clinical testing. Allele origin: germline.
Comment: The p.T866N variant (also known as c.2597C>A), located in coding exon 16 of the CDH2 gene, results from a C to A substitution at nucleotide position 2597. The threonine at codon 866 is replaced by asparagine, an amino acid with similar properties. This amino acid position is conserved. In addition, the in silico prediction for this alteration is inconclusive. Since supporting evidence is limited at this time, the clinical significance of this alteration remains unclear.